The following is an entry in ClinVar:

ClinVar aggregate classification (germline): Conflicting classifications of pathogenicity. Review status: criteria provided, conflicting classifications (1 of 4 stars). 2 submissions from 2 submitters: Uncertain significance (1); Benign (1). Last evaluated 2023-03-01.

Submissions (2):

CeGaT Center for Human Genetics Tuebingen
Classification: Benign. Last evaluated: 2023-03-01. Review status: criteria provided, single submitter. Criteria: CeGaT Center For Human Genetics Tuebingen Variant Classification Criteria Version 2. Collection method: clinical testing. Allele origin: germline. Affected: yes. Observed: 7 variant alleles.
Comment: KCNQ3: BS1, BS2

Breakthrough Genomics
Classification: Uncertain significance. Review status: criteria provided, single submitter. Criteria: ACMG Guidelines, 2015. Collection method: not provided. Allele origin: germline. Inheritance: Autosomal recessive inheritance. Affected: yes.

NM_004519.4(KCNQ3):c.-148_-147insTG

Gene: KCNQ3 (potassium voltage-gated channel subfamily Q member 3; minus strand). Cytogenetic location: 8q24.22.
Variant type: Insertion.
Coding change: c.-148_-147insTG on transcript NM_004519.4 (MANE Select); 148 bases upstream of the start codon through 147 bases upstream of the start codon, TG inserted.
Molecular consequence: 5 prime UTR variant.
Genome position: GRCh38 VCF-style: chr8-132480679-C-CCA. GRCh37 (hg19) VCF-style: chr8-133492926-C-CCA.
Identifiers: ClinVar variation 361898 (VCV000361898.35), dbSNP rs886062698, ClinGen allele CA10630277.